The following is an entry in ClinVar:

ClinVar aggregate classification (germline): Uncertain significance (1 of 4 stars; one submission).

Conditions:
Inborn genetic diseases. Identifiers: MedGen C0950123, MeSH D030342.

Submission:

Ambry Genetics
Classification: Uncertain significance for Inborn genetic diseases. Last evaluated: 2021-12-10. Review status: criteria provided, single submitter. Criteria: Ambry Variant Classification Scheme 2023. Collection method: clinical testing. Allele origin: germline.
Comment: The p.M699L variant (also known as c.2095A>T), located in coding exon 13 of the EPAS1 gene, results from an A to T substitution at nucleotide position 2095. The methionine at codon 699 is replaced by leucine, an amino acid with highly similar properties. This amino acid position is conserved. In addition, this alteration is predicted to be tolerated by in silico analysis. Since supporting evidence is limited at this time, the clinical significance of this alteration remains unclear.

NM_001430.5(EPAS1):c.2095A>T (p.Met699Leu)

Gene: EPAS1 (endothelial PAS domain protein 1; plus strand). Cytogenetic location: 2p21.
Variant type: single nucleotide variant.
Coding change: c.2095A>T on transcript NM_001430.5 (MANE Select); coding-DNA position 2095, A replaced by T.
Protein change: p.Met699Leu; replaces methionine 699 with leucine.
Molecular consequence: missense variant.
Genome position (GRCh38, 1-based): chr2:46,381,645, A>T. VCF-style: chr2-46381645-A-T. GRCh37 (hg19) VCF-style: chr2-46608784-A-T.
Other names: short protein forms M699L.
Identifiers: ClinVar variation 1785783 (VCV001785783.2), dbSNP rs1429908452, ClinGen allele CA346705517.
Genomic context (GRCh38, chr2:46,381,645, plus strand): 5'-GGGCTTGGCAGGTCTGCAAAGGGTTTTGGGGCTCGAGGCCCAGACGTGCTGAGTCCGGCC[A>T]TGGTAGCCCTCTCCAACAAGCTGAAGCTGAAGCGACAGCTGGAGTATGAAGAGCAAGCCT-3'
Protein context (NP_001421.2, residues 689-709): ARGPDVLSPA[Met699Leu]VALSNKLKLK